The following is an entry in ClinVar:

NM_014847.4(UBAP2L):c.2363C>T (p.Pro788Leu)

Gene: UBAP2L (ubiquitin associated protein 2 like; plus strand). Cytogenetic location: 1q21.3.
Variant type: single nucleotide variant.
Coding change: c.2363C>T on transcript NM_014847.4 (MANE Select); coding-DNA position 2363, C replaced by T.
Protein change: p.Pro788Leu; replaces proline 788 with leucine.
Molecular consequence: missense variant.
Genome position (GRCh38, 1-based): chr1:154,257,355, C>T. VCF-style: chr1-154257355-C-T. GRCh37 (hg19) VCF-style: chr1-154229831-C-T.
Other names: c.2363C>T, p.Pro788Leu (NM_001127320.3, NM_001375614.1, NM_001375615.1 and 14 more transcripts); c.2342C>T, p.Pro781Leu (NM_001287815.1); c.2396C>T, p.Pro799Leu (NM_001287816.1, NM_001330730.1, NM_001375612.1 and 2 more transcripts); short protein forms P781L, P788L, P799L.
Identifiers: ClinVar variation 5000623 (VCV005000623.1).

ClinVar aggregate classification (germline): Uncertain significance (1 of 4 stars; one submission).

Conditions:
UBAP2L-related condition.

Submission:

PreventionGenetics, part of Exact Sciences
Classification: Uncertain significance for UBAP2L-related condition. Last evaluated: 2025-09-15. Review status: criteria provided, single submitter. Criteria: ACMG Guidelines, 2015. Collection method: clinical testing. Allele origin: germline.
Comment: The UBAP2L c.2363C>T variant is predicted to result in the amino acid substitution p.Pro788Leu. To our knowledge, this variant has not been reported in the literature or in a large population database (gnomAD), indicating this variant is rare. At this time, the clinical significance of this variant is uncertain due to the absence of conclusive functional and genetic evidence.